The following is an entry in ClinVar:

NM_021614.4(KCNN2):c.2191G>A (p.Gly731Ser)

Genes: KCNN2 (potassium calcium-activated channel subfamily N member 2; plus strand), LOC101927078 (uncharacterized LOC101927078; minus strand). Cytogenetic location: 5q22.3.
Variant type: single nucleotide variant.
Coding change: c.2191G>A on transcript NM_021614.4 (MANE Select); coding-DNA position 2191, G replaced by A.
Protein change: p.Gly731Ser; replaces glycine 731 with serine.
Molecular consequence: missense variant. On other transcripts: non-coding transcript variant (2).
Genome position (GRCh38, 1-based): chr5:114,495,997, G>A. VCF-style: chr5-114495997-G-A. GRCh37 (hg19) VCF-style: chr5-113831694-G-A.
Other names: c.2389G>A, p.Gly797Ser (NM_001372233.1); c.511G>A, p.Gly171Ser (NM_170775.3); short protein forms G171S, G731S, G797S.
Identifiers: ClinVar variation 3339898 (VCV003339898.1).
Genomic context (GRCh38, chr5:114,495,997, plus strand): 5'-AGGAGTGAAGACTTCGAGAAGAGGATTGTTACCCTGGAAACAAAACTAGAGACTTTGATT[G>A]GTAGCATCCACGCCCTCCCTGGGCTCATAAGCCAGACCATCAGGCAGCAGCAGAGAGATT-3'
Protein context (NP_067627.3, residues 721-741): TLETKLETLI[Gly731Ser]SIHALPGLIS

ClinVar aggregate classification (germline): Uncertain significance (1 of 4 stars; one submission).

gnomAD v4.1: 19 of 1,613,934 alleles (0.0012%); highest among the groups gnomAD compares: Admixed American, 0.032%; no homozygotes.

Submission:

Women's Health and Genetics/Laboratory Corporation of America, LabCorp
Classification: Uncertain significance. Last evaluated: 2024-06-21. Review status: criteria provided, single submitter. Criteria: LabCorp Variant Classification Summary - May 2015. Collection method: clinical testing. Allele origin: germline.
Comment: Variant summary: KCNN2 c.2191G>A (p.Gly731Ser) results in a non-conservative amino acid change in the encoded protein sequence. Three of five in-silico tools predict a damaging effect of the variant on protein function. The variant allele was found at a frequency of 6.4e-05 in 251150 control chromosomes. This frequency is not significantly higher than estimated for a pathogenic variant in KCNN2 causing KCNN2-Related Disorders, allowing no conclusion about variant significance. To our knowledge, no occurrence of c.2191G>A in individuals affected with KCNN2-Related Disorders and no experimental evidence demonstrating its impact on protein function have been reported. No submitters have cited clinical-significance assessments for this variant to ClinVar. Based on the evidence outlined above, the variant was classified as uncertain significance.